The following is an entry in ClinVar:

NM_004319.3(ASTN1):c.54G>C (p.Ala18=)

Gene: ASTN1 (astrotactin 1; minus strand). Cytogenetic location: 1q25.2.
Variant type: single nucleotide variant.
Coding change: c.54G>C on transcript NM_004319.3 (MANE Select); coding-DNA position 54, G replaced by C.
Protein change: p.Ala18=; no amino-acid change (alanine 18 retained).
Molecular consequence: synonymous variant.
Genome position (GRCh38, 1-based): chr1:177,164,623, C>G on the plus strand (G>C on the coding strand, the complement: ASTN1 is on the minus strand). VCF-style: chr1-177164623-C-G. GRCh37 (hg19) VCF-style: chr1-177133759-C-G.
Other names: c.54G>C, p.Ala18= (NM_001286164.2, NM_001364856.2, NM_207108.3).
Identifiers: ClinVar variation 2639589 (VCV002639589.24), dbSNP rs2526138576, ClinGen allele CA422281010.
Genomic context (GRCh38, chr1:177,164,623, plus strand): 5'-TTTGAGCTTGCACTCCAGCTCCTTGGATGGATCCACGTCGCCGGCGGCCGTGGCCAGCAC[C>G]GCCGCCGGCCCCCAGCAGCAGGCGAGCAGGGCGCAGAGCCCGGCTAAAGCCATCTTGAGC-3'
Protein context (NP_004310.1, residues 8-28): ALLACCWGPA[Ala18=]VLATAAGDVD

ClinVar aggregate classification (germline): Likely benign (1 of 4 stars; one submission).

Submission:

CeGaT Center for Human Genetics Tuebingen
Classification: Likely benign. Last evaluated: 2023-11-01. Review status: criteria provided, single submitter. Criteria: CeGaT Center For Human Genetics Tuebingen Variant Classification Criteria Version 2. Collection method: clinical testing. Allele origin: germline. Affected: yes. Observed: 1 variant allele.
Comment: ASTN1: PM2:Supporting, BP4, BP7